The following is an entry in ClinVar:

NM_138395.4(MARS2):c.689C>G (p.Pro230Arg)

Gene: MARS2 (methionyl-tRNA synthetase 2, mitochondrial; plus strand). Cytogenetic location: 2q33.1.
Variant type: single nucleotide variant.
Coding change: c.689C>G on transcript NM_138395.4 (MANE Select); coding-DNA position 689, C replaced by G.
Protein change: p.Pro230Arg; replaces proline 230 with arginine.
Molecular consequence: missense variant.
Genome position (GRCh38, 1-based): chr2:197,706,094, C>G. VCF-style: chr2-197706094-C-G. GRCh37 (hg19) VCF-style: chr2-198570818-C-G.
Other names: c.689C>G (NM_138395.3); short protein forms P230R.
Identifiers: ClinVar variation 1491045 (VCV001491045.7), dbSNP rs937866756, ClinGen allele CA2044620.
Genomic context (GRCh38, chr2:197,706,094, plus strand): 5'-ACTACATTTTCAGGCTTTCCCAGTTCCGGAAGCCACTCCAGCGGTGGCTGCGGGGCAACC[C>G]TCAGGCGATCACCCCCGAACCATTTCATCACGTAGTTCTTCAGTGGCTGGACGAGGAGCT-3'
Protein context (NP_612404.1, residues 220-240): KPLQRWLRGN[Pro230Arg]QAITPEPFHH

ClinVar aggregate classification (germline): Uncertain significance. Review status: criteria provided, multiple submitters, no conflicts (2 of 4 stars). 2 submissions from 2 submitters: Uncertain significance (2). Last evaluated 2025-04-11.

Submissions (2):

Ambry Genetics
Classification: Uncertain significance. Last evaluated: 2025-04-11. Review status: criteria provided, single submitter. Criteria: Ambry Variant Classification Scheme 2023. Collection method: clinical testing. Allele origin: germline.

Labcorp Genetics (formerly Invitae), Labcorp
Classification: Uncertain significance. Last evaluated: 2024-07-01. Review status: criteria provided, single submitter. Criteria: Invitae Variant Classification Sherloc (09022015). Collection method: clinical testing. Allele origin: germline.
Comment: This sequence change replaces proline, which is neutral and non-polar, with arginine, which is basic and polar, at codon 230 of the MARS2 protein (p.Pro230Arg). This variant is present in population databases (no rsID available, gnomAD 0.02%). This variant has not been reported in the literature in individuals affected with MARS2-related conditions. ClinVar contains an entry for this variant (Variation ID: 1491045). Advanced modeling of protein sequence and biophysical properties (such as structural, functional, and spatial information, amino acid conservation, physicochemical variation, residue mobility, and thermodynamic stability) performed at Invitae indicates that this missense variant is not expected to disrupt MARS2 protein function with a negative predictive value of 80%. In summary, the available evidence is currently insufficient to determine the role of this variant in disease. Therefore, it has been classified as a Variant of Uncertain Significance.